The following is an entry in ClinVar:

NM_173812.5(DPY19L2):c.1616A>G (p.His539Arg)

Gene: DPY19L2 (dpy-19 like 2; minus strand). Cytogenetic location: 12q14.2.
Variant type: single nucleotide variant.
Coding change: c.1616A>G on transcript NM_173812.5 (MANE Select); coding-DNA position 1616, A replaced by G.
Protein change: p.His539Arg; replaces histidine 539 with arginine.
Molecular consequence: missense variant.
Genome position (GRCh38, 1-based): chr12:63,582,515, T>C on the plus strand (A>G on the coding strand, the complement: DPY19L2 is on the minus strand). VCF-style: chr12-63582515-T-C. GRCh37 (hg19) VCF-style: chr12-63976295-T-C.
Other names: short protein forms H539R.
Identifiers: ClinVar variation 1709852 (VCV001709852.2), dbSNP rs749830038, ClinGen allele CA385580367.

ClinVar aggregate classification (germline): Uncertain significance (1 of 4 stars; one submission).

Conditions:
Spermatogenic failure 9 (SPGF9). Also called: GLOBOZOOSPERMIA, TOTAL; GLOBOZOOSPERMIA, COMPLETE. Identifiers: Orphanet 171709, MedGen C3151407, MONDO:0013505, OMIM 613958.

Submission:

MGZ Medical Genetics Center
Classification: Uncertain significance for Spermatogenic failure 9. Last evaluated: 2021-07-22. Review status: criteria provided, single submitter. Criteria: ACMG Guidelines, 2015. Collection method: clinical testing. Allele origin: germline. Affected: yes. Observed: 1 variant allele.
Comment: ACMG criteria applied: PM2_SUP, PP4